The following is an entry in ClinVar:

NM_002292.4(LAMB2):c.3674G>A (p.Gly1225Asp)

Gene: LAMB2 (laminin subunit beta 2; minus strand). Cytogenetic location: 3p21.31.
Variant type: single nucleotide variant.
Coding change: c.3674G>A on transcript NM_002292.4 (MANE Select); coding-DNA position 3674, G replaced by A.
Protein change: p.Gly1225Asp; replaces glycine 1225 with aspartic acid.
Molecular consequence: missense variant.
Genome position (GRCh38, 1-based): chr3:49,123,851, C>T on the plus strand (G>A on the coding strand, the complement: LAMB2 is on the minus strand). VCF-style: chr3-49123851-C-T. GRCh37 (hg19) VCF-style: chr3-49161284-C-T.
Other names: c.3674G>A (NM_002292.3); short protein forms G1225D.
Identifiers: ClinVar variation 1384188 (VCV001384188.8), dbSNP rs150013302, ClinGen allele CA2393985.

ClinVar aggregate classification (germline): Uncertain significance. Review status: criteria provided, multiple submitters, no conflicts (2 of 4 stars). 5 submissions from 5 submitters: Uncertain significance (5). Last evaluated 2024-01-13.

Conditions:
Pierson syndrome. Also called: MICROCORIA-CONGENITAL NEPHROTIC SYNDROME. Identifiers: Orphanet 2670, MedGen C1836876, MONDO:0012184, OMIM 609049.
LAMB2-related infantile-onset nephrotic syndrome. Also called: NEPHROTIC SYNDROME, TYPE 5, WITHOUT OCULAR ABNORMALITIES; NEPHROTIC SYNDROME, TYPE 5, WITH OCULAR ABNORMALITIES; Nephrotic Syndrome, type 5. Identifiers: Orphanet 306507, MedGen C3280113, MONDO:0013621, OMIM 614199.
focal and segmental glomerulosclerosis.
Inborn genetic diseases. Identifiers: MedGen C0950123, MeSH D030342.

Allele frequency attached by ClinVar (database versions not stated): gnomAD 0.00019; ESP Exome Variant Server 0.00069.
gnomAD v4.1: 450 of 1,613,220 alleles (0.028%); highest among the groups gnomAD compares: Non-Finnish European, 0.036%; no homozygotes.

Submissions (5):

Fulgent Genetics
Classification: Uncertain significance for Pierson syndrome; LAMB2-related infantile-onset nephrotic syndrome. Last evaluated: 2024-01-13. Review status: criteria provided, single submitter. Criteria: ACMG Guidelines, 2015. Collection method: clinical testing. Allele origin: germline.

Clinical Genomics Laboratory, Stanford Medicine
Classification: Uncertain significance for Focal and Segmental Glomerulosclerosis; Pierson syndrome. Last evaluated: 2022-10-24. Review status: criteria provided, single submitter. Criteria: ACMG Guidelines, 2015. Collection method: clinical testing. Allele origin: germline. Observed: 1 variant allele, 1 heterozygote.

Labcorp Genetics (formerly Invitae), Labcorp
Classification: Uncertain significance for LAMB2-related infantile-onset nephrotic syndrome; Pierson syndrome. Last evaluated: 2022-08-18. Review status: criteria provided, single submitter. Criteria: Invitae Variant Classification Sherloc (09022015). Collection method: clinical testing. Allele origin: germline.
Comment: This sequence change replaces glycine, which is neutral and non-polar, with aspartic acid, which is acidic and polar, at codon 1225 of the LAMB2 protein (p.Gly1225Asp). This variant is present in population databases (rs150013302, gnomAD 0.04%). This variant has not been reported in the literature in individuals affected with LAMB2-related conditions. ClinVar contains an entry for this variant (Variation ID: 1384188). Algorithms developed to predict the effect of missense changes on protein structure and function (SIFT, PolyPhen-2, Align-GVGD) all suggest that this variant is likely to be disruptive. In summary, the available evidence is currently insufficient to determine the role of this variant in disease. Therefore, it has been classified as a Variant of Uncertain Significance.

Ambry Genetics
Classification: Uncertain significance for Inborn genetic diseases. Last evaluated: 2021-08-02. Review status: criteria provided, single submitter. Criteria: Ambry Variant Classification Scheme 2023. Collection method: clinical testing. Allele origin: germline.

Revvity Omics, Revvity
Classification: Uncertain significance. Last evaluated: 2021-04-19. Review status: criteria provided, single submitter. Criteria: ACMG Guidelines, 2015. Collection method: clinical testing. Allele origin: germline.